The following is an entry in ClinVar:

NM_005631.5(SMO):c.2126G>A (p.Arg709Gln)

Gene: SMO (smoothened, frizzled class receptor; plus strand). Cytogenetic location: 7q32.1.
Variant type: single nucleotide variant.
Coding change: c.2126G>A on transcript NM_005631.5 (MANE Select); coding-DNA position 2126, G replaced by A.
Protein change: p.Arg709Gln; replaces arginine 709 with glutamine.
Molecular consequence: missense variant.
Genome position (GRCh38, 1-based): chr7:129,212,213, G>A. VCF-style: chr7-129212213-G-A. GRCh37 (hg19) VCF-style: chr7-128852054-G-A.
Other names: short protein forms R709Q.
Identifiers: ClinVar variation 2443394 (VCV002443394.2), dbSNP rs369342481, ClinGen allele CA4479615.
Genomic context (GRCh38, chr7:129,212,213, plus strand): 5'-CTGAGCTTCACCCCCCTGCCCCTGCCCCCAGTACCATTCCTCGACTGCCTCAGCTGCCCC[G>A]GCAGAAATGCCTGGTGGCTGCAGGTGCCTGGGGAGCTGGGGACTCTTGCCGACAGGGAGC-3'
Protein context (NP_005622.1, residues 699-719): STIPRLPQLP[Arg709Gln]QKCLVAAGAW

ClinVar aggregate classification (germline): Uncertain significance. Review status: criteria provided, multiple submitters, no conflicts (2 of 4 stars). 2 submissions from 2 submitters: Uncertain significance (2). Last evaluated 2023-10-10.

Conditions:
Congenital hypothalamic hamartoma syndrome. Also called: PALLISTER-HALL-LIKE SYNDROME. Identifiers: MedGen C5435677, MONDO:0009436, OMIM 241800.

Allele frequency attached by ClinVar (database versions not stated): ExAC 0.00015; gnomAD 0.00027; TOPMed 0.00030; ESP Exome Variant Server 0.00046.

Submissions (2):

Clinical Genomics Laboratory, Washington University in St. Louis
Classification: Uncertain significance for Congenital hypothalamic hamartoma syndrome. Last evaluated: 2023-10-10. Review status: criteria provided, single submitter. Criteria: ACMG Guidelines, 2015. Collection method: clinical testing. Allele origin: germline.
Comment: The SMO c.2126G>A (p.Arg709Gln) variant was identified at a near heterozygous allelic fraction. This variant, to our knowledge, has not been reported in the medical literature. This variant has been reported in the ClinVar database as a germline variant of uncertain significance by one submitter (ClinVar ID: 2443394) and in one cancer case as a somatic variant in the cancer database COSMIC (ID: COSV50836676). Computational predictors suggest that the variant does not impact SMO function. Due to limited information, and based on ACMG/AMP guidelines for variant interpretation (Richards S et al., PMID: 25741868), the clinical significance of this variant is uncertain at this time.

GeneDx
Classification: Uncertain significance. Last evaluated: 2022-09-13. Review status: criteria provided, single submitter. Criteria: GeneDx Variant Classification Process June 2021. Collection method: clinical testing. Allele origin: germline. Affected: yes.
Comment: In silico analysis supports that this missense variant does not alter protein structure/function; Has not been previously published as pathogenic or benign to our knowledge